The following is an entry in ClinVar:

ClinVar aggregate classification (germline): Uncertain significance. Review status: criteria provided, multiple submitters, no conflicts (2 of 4 stars). 2 submissions from 2 submitters: Uncertain significance (2). Last evaluated 2021-12-08.

Conditions:
Nephronophthisis. Also called: Juvenile Nephronophthisis. Identifiers: Orphanet 655, MedGen C0687120, MONDO:0019005, HP:0000090.
NPHP3-related Meckel-like syndrome. Also called: Meckel syndrome type 7; GOLDSTON SYNDROME. Identifiers: Orphanet 3032, MedGen C2673885, MONDO:0009966, OMIM 267010.
Renal-hepatic-pancreatic dysplasia 1 (RHPD1). Identifiers: MedGen C3715199, MONDO:0008833, OMIM 208540.
Nephronophthisis 3 (NPHP3). Also called: Adolescent nephronophthisis. Identifiers: Orphanet 655, MedGen C1858392, MONDO:0011456, OMIM 604387.

Allele frequency attached by ClinVar (database versions not stated): TOPMed below 0.00001; gnomAD exomes 0.00001.
gnomAD v4.1: 7 of 1,578,498 alleles (0.00044%); highest among the groups gnomAD compares: Non-Finnish European, 0.0006%; no homozygotes.

Submissions (2):

Fulgent Genetics
Classification: Uncertain significance for Renal-hepatic-pancreatic dysplasia 1; NPHP3-related Meckel-like syndrome; Nephronophthisis 3. Last evaluated: 2021-12-08. Review status: criteria provided, single submitter. Criteria: ACMG Guidelines, 2015. Collection method: clinical testing. Allele origin: unknown.

Labcorp Genetics (formerly Invitae), Labcorp
Classification: Uncertain significance for Nephronophthisis. Last evaluated: 2021-02-14. Review status: criteria provided, single submitter. Criteria: Invitae Variant Classification Sherloc (09022015). Collection method: clinical testing. Allele origin: germline.
Comment: This sequence change replaces glutamic acid with lysine at codon 26 of the NPHP3 protein (p.Glu26Lys). The glutamic acid residue is moderately conserved and there is a small physicochemical difference between glutamic acid and lysine. This variant is not present in population databases (ExAC no frequency). This variant has not been reported in the literature in individuals with NPHP3-related conditions. Algorithms developed to predict the effect of missense changes on protein structure and function are either unavailable or do not agree on the potential impact of this missense change (SIFT: "Deleterious"; PolyPhen-2: "Benign"; Align-GVGD: "Class C0"). In summary, the available evidence is currently insufficient to determine the role of this variant in disease. Therefore, it has been classified as a Variant of Uncertain Significance.

NM_153240.5(NPHP3):c.76G>A (p.Glu26Lys)

Genes: NPHP3-AS1 (NPHP3 antisense RNA 1; plus strand), NPHP3-ACAD11 (NPHP3-ACAD11 readthrough (NMD candidate); minus strand), NPHP3 (nephrocystin 3; minus strand), LOC129937586 (ATAC-STARR-seq lymphoblastoid silent region 14743; plus strand). Cytogenetic location: 3q22.1.
Variant type: single nucleotide variant.
Coding change: c.76G>A on transcript NM_153240.5 (MANE Select); coding-DNA position 76, G replaced by A.
Protein change: p.Glu26Lys; replaces glutamic acid 26 with lysine.
Molecular consequence: missense variant. On other transcripts: non-coding transcript variant (3).
Genome position (GRCh38, 1-based): chr3:132,722,280, C>T on the plus strand (G>A on the coding strand, the complement: NPHP3 is on the minus strand). VCF-style: chr3-132722280-C-T. GRCh37 (hg19) VCF-style: chr3-132441124-C-T.
Other names: short protein forms E26K.
Identifiers: ClinVar variation 1386222 (VCV001386222.9), dbSNP rs1465502034, ClinGen allele CA354590036.